The following is an entry in ClinVar:

ClinVar aggregate classification (germline): Uncertain significance. Review status: criteria provided, multiple submitters, no conflicts (2 of 4 stars). 2 submissions from 2 submitters: Uncertain significance (2). Last evaluated 2022-03-02.

Conditions:
Aniridia 1 (AN1). Identifiers: Orphanet 250923, MedGen C0344542, MONDO:0024507, OMIM 106210.
Irido-corneo-trabecular dysgenesis (ASGD5). Also called: ANTERIOR SEGMENT DYSGENESIS 5. Identifiers: Orphanet 708, MedGen C0344559, MONDO:0011414, OMIM 604229, HP:0000659.

Allele frequency attached by ClinVar (database versions not stated): TOPMed below 0.00001; gnomAD 0.00001; gnomAD exomes 0.00001.
gnomAD v4.1: 21 of 1,614,024 alleles (0.0013%); highest among the groups gnomAD compares: Non-Finnish European, 0.0016%; no homozygotes.

Submissions (2):

Labcorp Genetics (formerly Invitae), Labcorp
Classification: Uncertain significance for Aniridia 1; Irido-corneo-trabecular dysgenesis. Last evaluated: 2022-03-02. Review status: criteria provided, single submitter. Criteria: Invitae Variant Classification Sherloc (09022015). Collection method: clinical testing. Allele origin: germline.
Comment: In summary, the available evidence is currently insufficient to determine the role of this variant in disease. Therefore, it has been classified as a Variant of Uncertain Significance. Advanced modeling of protein sequence and biophysical properties (such as structural, functional, and spatial information, amino acid conservation, physicochemical variation, residue mobility, and thermodynamic stability) performed at Invitae indicates that this missense variant is not expected to disrupt PAX6 protein function. This variant has not been reported in the literature in individuals affected with PAX6-related conditions. This variant is present in population databases (no rsID available, gnomAD no frequency). This sequence change replaces threonine, which is neutral and polar, with serine, which is neutral and polar, at codon 187 of the PAX6 protein (p.Thr187Ser).

Blueprint Genetics
Classification: Uncertain significance. Last evaluated: 2020-08-30. Review status: criteria provided, single submitter. Criteria: ACMG Guidelines, 2015. Collection method: clinical testing. Allele origin: germline.

NM_001368894.2(PAX6):c.601A>T (p.Thr201Ser)

Gene: PAX6 (paired box 6; minus strand). Cytogenetic location: 11p13.
Variant type: single nucleotide variant.
Coding change: c.601A>T on transcript NM_001368894.2 (MANE Select); coding-DNA position 601, A replaced by T.
Protein change: p.Thr201Ser; replaces threonine 201 with serine.
Molecular consequence: missense variant. On other transcripts: 5 prime UTR variant (1), non-coding transcript variant (2).
Genome position (GRCh38, 1-based): chr11:31,794,753, T>A on the plus strand (A>T on the coding strand, the complement: PAX6 is on the minus strand). VCF-style: chr11-31794753-T-A. GRCh37 (hg19) VCF-style: chr11-31816301-T-A.
Other names: c.559A>T, p.Thr187Ser (NM_000280.6, NM_001127612.3, NM_001258464.2 and 10 more transcripts); c.601A>T, p.Thr201Ser (NM_001258462.3, NM_001258463.2, NM_001310158.2 and 6 more transcripts); c.151A>T, p.Thr51Ser (NM_001310160.2, NM_001310161.3, NM_001368899.2 and 11 more transcripts); c.802A>T, p.Thr268Ser (NM_001368910.2); c.604A>T, p.Thr202Ser (NM_001368911.2); c.676A>T, p.Thr226Ser (NM_001368918.2, NM_001368919.2); c.634A>T, p.Thr212Ser (NM_001368920.2); c.400A>T, p.Thr134Ser (NM_001368921.2, NM_001368922.2, NM_001368923.2 and 4 more transcripts); and 2 more; short protein forms T120S, T134S, T187S, T201S, T202S, T212S, T226S, T268S.
Identifiers: ClinVar variation 2413900 (VCV002413900.7), dbSNP rs1212839277, ClinGen allele CA379957099.
Genomic context (GRCh38, chr11:31,794,753, plus strand): 5'-TCAGCTGAAGTCGCATTTGAGCCTCATCTGAATCTTCTCCGTTGGAACTGATGGAGTTGG[T>A]ATTCTCTCCCCCTCCTTCCTGTTGCTGGCAGCCATCTGGAACAAAAAGAATAGGATGGTA-3'
Protein context (NP_001355823.1, residues 191-211): CQQQEGGGEN[Thr201Ser]NSISSNGEDS